The following is an entry in ClinVar:

ClinVar aggregate classification (germline): Uncertain significance (1 of 4 stars; one submission).

gnomAD v4.1: 1 of 1,613,322 alleles (0.000062%); highest among the groups gnomAD compares: Non-Finnish European, 0.000085%; no homozygotes.

Submission:

Labcorp Genetics (formerly Invitae), Labcorp
Classification: Uncertain significance. Last evaluated: 2022-06-22. Review status: criteria provided, single submitter. Criteria: Invitae Variant Classification Sherloc (09022015). Collection method: clinical testing. Allele origin: germline.
Comment: In summary, the available evidence is currently insufficient to determine the role of this variant in disease. Therefore, it has been classified as a Variant of Uncertain Significance. Advanced modeling of protein sequence and biophysical properties (such as structural, functional, and spatial information, amino acid conservation, physicochemical variation, residue mobility, and thermodynamic stability) performed at Invitae indicates that this missense variant is not expected to disrupt MYO7A protein function. This variant has not been reported in the literature in individuals affected with MYO7A-related conditions. This variant is not present in population databases (gnomAD no frequency). This sequence change replaces alanine, which is neutral and non-polar, with serine, which is neutral and polar, at codon 1867 of the MYO7A protein (p.Ala1867Ser).

NM_000260.4(MYO7A):c.5599G>T (p.Ala1867Ser)

Gene: MYO7A (myosin VIIA; plus strand). Cytogenetic location: 11q13.5.
Variant type: single nucleotide variant.
Coding change: c.5599G>T on transcript NM_000260.4 (MANE Select); coding-DNA position 5599, G replaced by T.
Protein change: p.Ala1867Ser; replaces alanine 1867 with serine.
Molecular consequence: missense variant.
Genome position (GRCh38, 1-based): chr11:77,205,580, G>T. VCF-style: chr11-77205580-G-T. GRCh37 (hg19) VCF-style: chr11-76916625-G-T.
Other names: c.5485G>T, p.Ala1829Ser (NM_001127180.2); c.5452G>T, p.Ala1818Ser (NM_001369365.1); short protein forms A1818S, A1829S, A1867S.
Identifiers: ClinVar variation 2009292 (VCV002009292.4), dbSNP rs773687623, ClinGen allele CA381953081.